The following is an entry in ClinVar:

NM_000187.4(HGD):c.541G>A (p.Val181Ile)

Gene: HGD (homogentisate 1,2-dioxygenase; minus strand). Cytogenetic location: 3q13.33.
Variant type: single nucleotide variant.
Coding change: c.541G>A on transcript NM_000187.4 (MANE Select); coding-DNA position 541, G replaced by A.
Protein change: p.Val181Ile; replaces valine 181 with isoleucine.
Molecular consequence: missense variant.
Genome position (GRCh38, 1-based): chr3:120,646,981, C>T on the plus strand (G>A on the coding strand, the complement: HGD is on the minus strand). VCF-style: chr3-120646981-C-T. GRCh37 (hg19) VCF-style: chr3-120365828-C-T.
Other names: short protein forms V181I.
Identifiers: ClinVar variation 2048278 (VCV002048278.1), dbSNP rs368256121, ClinGen allele CA2560166.
Genomic context (GRCh38, chr3:120,646,981, plus strand): 5'-ACTGCTCCCAAATTAGTGAGAGGCAGGGAAGAGAAGGGGACACATCACCAACCTGAATGA[C>T]GCAGATCTCATTGGGCTGTACAAGCATCTTGCCAAACTCGGTGTAAATGAGAAGGTTCCC-3'
Protein context (NP_000178.2, residues 171-191): KMLVQPNEIC[Val181Ile]IQRGMRFSID

ClinVar aggregate classification (germline): Uncertain significance (1 of 4 stars; one submission).

Conditions:
Alkaptonuria (AKU). Also called: Alkaptonuric ochronosis; Alcaptonuria; Homogentisic acidura; HOMOGENTISIC ACID OXIDASE DEFICIENCY. Identifiers: Orphanet 56, MedGen C0002066, MONDO:0008753, OMIM 203500.

Allele frequency attached by ClinVar (database versions not stated): ESP Exome Variant Server 0.00008; ExAC 0.00001; gnomAD exomes 0.00002; gnomAD 0.00005.
gnomAD v4.1: 30 of 1,613,308 alleles (0.0019%); highest among the groups gnomAD compares: African/African-American, 0.0027%; no homozygotes.

Submission:

Labcorp Genetics (formerly Invitae), Labcorp
Classification: Uncertain significance for Alkaptonuria. Last evaluated: 2022-06-19. Review status: criteria provided, single submitter. Criteria: Invitae Variant Classification Sherloc (09022015). Collection method: clinical testing. Allele origin: germline.
Comment: This sequence change replaces valine, which is neutral and non-polar, with isoleucine, which is neutral and non-polar, at codon 181 of the HGD protein (p.Val181Ile). This variant is present in population databases (rs368256121, gnomAD 0.002%). This variant has not been reported in the literature in individuals affected with HGD-related conditions. Algorithms developed to predict the effect of missense changes on protein structure and function are either unavailable or do not agree on the potential impact of this missense change (SIFT: "Deleterious"; PolyPhen-2: "Benign"; Align-GVGD: "Class C25"). In summary, the available evidence is currently insufficient to determine the role of this variant in disease. Therefore, it has been classified as a Variant of Uncertain Significance.